The following is an entry in ClinVar:

NM_004104.5(FASN):c.5800C>T (p.Arg1934Cys)

Gene: FASN (fatty acid synthase; minus strand). Cytogenetic location: 17q25.3.
Variant type: single nucleotide variant.
Coding change: c.5800C>T on transcript NM_004104.5 (MANE Select); coding-DNA position 5800, C replaced by T.
Protein change: p.Arg1934Cys; replaces arginine 1934 with cysteine.
Molecular consequence: missense variant.
Genome position (GRCh38, 1-based): chr17:82,082,646, G>A on the plus strand (C>T on the coding strand, the complement: FASN is on the minus strand). VCF-style: chr17-82082646-G-A. GRCh37 (hg19) VCF-style: chr17-80040522-G-A.
Other names: short protein forms R1934C.
Identifiers: ClinVar variation 770045 (VCV000770045.54), dbSNP rs145515446, ClinGen allele CA8851539.

ClinVar aggregate classification (germline): Likely benign. Review status: criteria provided, multiple submitters, no conflicts (2 of 4 stars). 4 submissions from 4 submitters: Likely benign (3). 1 of the submissions does not count toward it. Last evaluated 2026-02-02.

Conditions:
Epileptic encephalopathy. Identifiers: MedGen C0543888, HP:0200134.
FASN-related disorder. Also called: FASN-related condition.

Allele frequency attached by ClinVar (database versions not stated): ESP Exome Variant Server 0.00085; TOPMed 0.00086; 1000 Genomes Project 30x 0.00094; 1000 Genomes Project 0.00100; ExAC 0.00122; gnomAD exomes 0.00127; gnomAD 0.00142 and 0.00150.
gnomAD v4.1: 2,099 of 1,610,248 alleles (0.13%); highest among the groups gnomAD compares: Non-Finnish European, 0.14%; 2 homozygotes.

Submissions (5):

Labcorp Genetics (formerly Invitae), Labcorp
Classification: Likely benign for Epileptic encephalopathy. Last evaluated: 2026-02-02. Review status: criteria provided, single submitter. Criteria: Invitae Variant Classification Sherloc (09022015). Collection method: clinical testing. Allele origin: germline.

Blueprint Genetics
Classification: Likely benign. Last evaluated: 2024-11-27. Review status: criteria provided, single submitter. Criteria: ACMG Guidelines, 2015. Collection method: clinical testing. Allele origin: germline.

CeGaT Center for Human Genetics Tuebingen
Classification: Likely benign. Last evaluated: 2023-04-01. Review status: criteria provided, single submitter. Criteria: CeGaT Center For Human Genetics Tuebingen Variant Classification Criteria Version 2. Collection method: clinical testing. Allele origin: germline. Affected: yes. Observed: 2 variant alleles.
Comment: FASN: BP4

PreventionGenetics, part of Exact Sciences
Classification: Likely benign for FASN-related condition. Last evaluated: 2020-01-31. Review status: no assertion criteria provided. Collection method: clinical testing. Allele origin: germline. Not counted in ClinVar's aggregate classification.
Comment: This variant is classified as likely benign based on ACMG/AMP sequence variant interpretation guidelines (Richards et al. 2015 PMID: 25741868, with internal and published modifications).

Dr. Peter K. Rogan Lab, Western University
No classification provided (evidence only). Condition: Malignant tumor of urinary bladder. Review status: no classification provided. Collection method: in vitro. Allele origin: not applicable. Functional consequence: retained intron. Not counted in ClinVar's aggregate classification.